The following is an entry in ClinVar:

NM_020693.4(DSCAML1):c.6128C>T (p.Ala2043Val)

Gene: DSCAML1 (DS cell adhesion molecule like 1; minus strand). Cytogenetic location: 11q23.3.
Variant type: single nucleotide variant.
Coding change: c.6128C>T on transcript NM_020693.4 (MANE Select); coding-DNA position 6128, C replaced by T.
Protein change: p.Ala2043Val; replaces alanine 2043 with valine.
Molecular consequence: missense variant.
Genome position (GRCh38, 1-based): chr11:117,428,362, G>A on the plus strand (C>T on the coding strand, the complement: DSCAML1 is on the minus strand). VCF-style: chr11-117428362-G-A. GRCh37 (hg19) VCF-style: chr11-117299078-G-A.
Other names: short protein forms A2043V.
Identifiers: ClinVar variation 2073478 (VCV002073478.4), dbSNP rs2047704439, ClinGen allele CA382750679.

ClinVar aggregate classification (germline): Uncertain significance (1 of 4 stars; one submission).

gnomAD v4.1: 10 of 1,584,050 alleles (0.00063%); highest among the groups gnomAD compares: South Asian, 0.0011%; no homozygotes.

Submission:

Labcorp Genetics (formerly Invitae), Labcorp
Classification: Uncertain significance. Last evaluated: 2023-12-11. Review status: criteria provided, single submitter. Criteria: Invitae Variant Classification Sherloc (09022015). Collection method: clinical testing. Allele origin: germline.
Comment: This sequence change replaces alanine, which is neutral and non-polar, with valine, which is neutral and non-polar, at codon 2103 of the DSCAML1 protein (p.Ala2103Val). This variant is not present in population databases (gnomAD no frequency). This variant has not been reported in the literature in individuals affected with DSCAML1-related conditions. ClinVar contains an entry for this variant (Variation ID: 2073478). An algorithm developed to predict the effect of missense changes on protein structure and function (PolyPhen-2) suggests that this variant is likely to be tolerated. In summary, the available evidence is currently insufficient to determine the role of this variant in disease. Therefore, it has been classified as a Variant of Uncertain Significance.